The following is an entry in ClinVar:

NM_000059.4(BRCA2):c.153del (p.Glu51fs)

Gene: BRCA2 (BRCA2 DNA repair associated; plus strand). Cytogenetic location: 13q13.1.
Variant type: Deletion.
Coding change: c.153del on transcript NM_000059.4 (MANE Select); coding-DNA position 153, one base deleted (A; older notation c.153delA).
Protein change: p.Glu51fs; shifts the reading frame from glutamic acid 51.
Molecular consequence: frameshift variant. On other transcripts: 5 prime UTR variant (1), non-coding transcript variant (1).
Genome position (GRCh38, 1-based): chr13:32,319,162, A deleted; the last of 2 consecutive A bases (chr13:32,319,161-32,319,162); deleting either gives the same sequence. VCF-style (leftmost placement, unchanged base first): chr13-32319160-GA-G. GRCh37 (hg19) VCF-style: chr13-32893297-GA-G.
Other names: c.153del, p.Glu51fs (NM_001406719.1, NM_001406720.1, NM_001406721.1 and 1 more transcripts); c.-217del (NM_001406722.1); short protein forms E51fs.
Identifiers: ClinVar variation 4294260 (VCV004294260.1).

ClinVar aggregate classification (germline): Pathogenic (1 of 4 stars; one submission).

Conditions:
Breast-ovarian cancer, familial, susceptibility to, 2 (BROVCA2). Also called: BRCA2 Hereditary Breast and Ovarian Cancer. Identifiers: Orphanet 145, MedGen C2675520, MONDO:0012933, OMIM 612555. Disease mechanism: loss of function.

Submission:

Myriad Genetics, Inc.
Classification: Pathogenic for Breast-ovarian cancer, familial, susceptibility to, 2. Last evaluated: 2025-08-27. Review status: criteria provided, single submitter. Criteria: Myriad Autosomal Dominant, Autosomal Recessive and X-Linked Classification Criteria (2023). Collection method: clinical testing. Allele origin: unknown.
Comment: This variant is considered pathogenic. This variant creates a frameshift predicted to result in premature protein truncation.